The following is an entry in ClinVar:

ClinVar aggregate classification (germline): Uncertain significance. Review status: criteria provided, multiple submitters, no conflicts (2 of 4 stars). 2 submissions from 2 submitters: Uncertain significance (2). Last evaluated 2024-10-06.

Conditions:
Inborn genetic diseases. Identifiers: MedGen C0950123, MeSH D030342.

Allele frequency attached by ClinVar (database versions not stated): TOPMed below 0.00001; gnomAD exomes 0.00001.

Submissions (2):

Ambry Genetics
Classification: Uncertain significance for Inborn genetic diseases. Last evaluated: 2024-10-06. Review status: criteria provided, single submitter. Criteria: Ambry Variant Classification Scheme 2023. Collection method: clinical testing. Allele origin: germline.

GeneDx
Classification: Uncertain significance. Last evaluated: 2024-08-28. Review status: criteria provided, single submitter. Criteria: GeneDx Variant Classification Process June 2021. Collection method: clinical testing. Allele origin: germline. Affected: yes.
Comment: Not observed at significant frequency in large population cohorts (gnomAD); In silico analysis indicates that this missense variant does not alter protein structure/function; Has not been previously published as pathogenic or benign to our knowledge

NM_019066.5(MAGEL2):c.655A>C (p.Met219Leu)

Gene: MAGEL2 (MAGE family member L2; minus strand). Cytogenetic location: 15q11.2.
Variant type: single nucleotide variant.
Coding change: c.655A>C on transcript NM_019066.5 (MANE Select); coding-DNA position 655, A replaced by C.
Protein change: p.Met219Leu; replaces methionine 219 with leucine.
Molecular consequence: missense variant.
Genome position (GRCh38, 1-based): chr15:23,647,088, T>G on the plus strand (A>C on the coding strand, the complement: MAGEL2 is on the minus strand). VCF-style: chr15-23647088-T-G. GRCh37 (hg19) VCF-style: chr15-23892235-T-G.
Other names: short protein forms M219L.
Identifiers: ClinVar variation 429364 (VCV000429364.5), dbSNP rs1131691344, ClinGen allele CA391336791.